The following is an entry in ClinVar:

NM_000307.5(POU3F4):c.300dup (p.Val101fs)

Gene: POU3F4 (POU class 3 homeobox 4; plus strand). Cytogenetic location: Xq21.1.
Variant type: Duplication.
Coding change: c.300dup on transcript NM_000307.5 (MANE Select); coding-DNA position 300, one base duplicated (C; older notation c.300dupC).
Protein change: p.Val101fs; shifts the reading frame from valine 101.
Molecular consequence: frameshift variant.
Genome position (GRCh38, 1-based): chrX:83,508,624, C duplicated. VCF-style (leftmost placement, unchanged base first): chrX-83508623-A-AC. GRCh37 (hg19) VCF-style: chrX-82763631-A-AC.
Other names: short protein forms V101fs.
Identifiers: ClinVar variation 2445677 (VCV002445677.1), dbSNP rs2520215844, ClinGen allele CA2580102009.
Genomic context (GRCh38, chrX:83,508,623, plus strand): 5'-ACGTGAAGCCCGGGCGCGAAGACCTGCAACTGGGTGCGATCATCCATCACCGCTCGCCAC[A>AC]CGTAGCCCACCACTCACCGCACACTAACCACCCCAACGCCTGGGGGGCCAGCCCGGCACC-3'

ClinVar aggregate classification (germline): Pathogenic (1 of 4 stars; one submission).

Conditions:
X-linked mixed hearing loss with perilymphatic gusher. Also called: NANCE DEAFNESS; PERILYMPHATIC GUSHER-DEAFNESS SYNDROME; SENSORINEURAL DEAFNESS, PROFOUND, WITH OR WITHOUT A CONDUCTIVE COMPONENT, ASSOCIATED WITH A UNIQUE DEVELOPMENTAL ABNORMALITY OF THE EAR; Deafness, X-linked 2; Gusher syndrome. Identifiers: Orphanet 383, MedGen C1844678, MONDO:0010576, OMIM 304400.

Submission:

King Laboratory, University of Washington
Classification: Pathogenic for X-linked mixed hearing loss with perilymphatic gusher. Last evaluated: 2023-02-28. Review status: criteria provided, single submitter. Criteria: Li et al. (Genet Med. 2022). Collection method: research. Allele origin: unknown. Affected: yes.
Comment: This patient’s family has no other history of hearing loss. This variant is a single base pair duplication that introduces a frameshift into the POU3F4 transcript. This frameshift leads to the addition of 8 incorrect amino acids and introduces an early termination at position 108 of the 361 amino acid protein. As of January 2023, this variant has not been reported to ClinVar and is not found on gnomAD. Based on the prediction that this variant leads to a truncated protein and goodness of fit of genotype to phenotype, we conclude that this variant is pathogenic.

Literature cited by the submitters: PubMed 36633841.